The following is an entry in ClinVar:

ClinVar aggregate classification (germline): Benign. Review status: criteria provided, single submitter (1 of 4 stars). 2 submissions from 2 submitters: Benign (1). 1 of the submissions does not count toward it. Last evaluated 2025-07-02.

Conditions:
LAMA5-related disorder. Also called: LAMA5-Related Disorders; LAMA5-related condition.

Allele frequency attached by ClinVar (database versions not stated): TOPMed 0.00005; 1000 Genomes Project 0.00280; ESP Exome Variant Server 0.00008; gnomAD 0.00027; 1000 Genomes Project 30x 0.00234; ExAC 0.00128.
gnomAD v4.1: 725 of 1,610,646 alleles (0.045%); highest among the groups gnomAD compares: South Asian, 0.76%; 13 homozygotes.

Submissions (2):

Labcorp Genetics (formerly Invitae), Labcorp
Classification: Benign. Last evaluated: 2025-07-02. Review status: criteria provided, single submitter. Criteria: Invitae Variant Classification Sherloc (09022015). Collection method: clinical testing. Allele origin: germline.

PreventionGenetics, part of Exact Sciences
Classification: Benign for LAMA5-related condition. Last evaluated: 2023-11-15. Review status: no assertion criteria provided. Collection method: clinical testing. Allele origin: germline. Not counted in ClinVar's aggregate classification.
Comment: This variant is classified as benign based on ACMG/AMP sequence variant interpretation guidelines (Richards et al. 2015 PMID: 25741868, with internal and published modifications).

NM_005560.6(LAMA5):c.7928C>T (p.Ala2643Val)

Gene: LAMA5 (laminin subunit alpha 5; minus strand). Cytogenetic location: 20q13.33.
Variant type: single nucleotide variant.
Coding change: c.7928C>T on transcript NM_005560.6 (MANE Select); coding-DNA position 7928, C replaced by T.
Protein change: p.Ala2643Val; replaces alanine 2643 with valine.
Molecular consequence: missense variant.
Genome position (GRCh38, 1-based): chr20:62,315,147, G>A on the plus strand (C>T on the coding strand, the complement: LAMA5 is on the minus strand). VCF-style: chr20-62315147-G-A. GRCh37 (hg19) VCF-style: chr20-60890203-G-A.
Other names: short protein forms A2643V.
Identifiers: ClinVar variation 3056848 (VCV003056848.4), dbSNP rs150534204, ClinGen allele CA9940953.